The following is an entry in ClinVar:

ClinVar aggregate classification (germline): Uncertain significance (1 of 4 stars; one submission).

Submission:

Labcorp Genetics (formerly Invitae), Labcorp
Classification: Uncertain significance. Last evaluated: 2025-09-28. Review status: criteria provided, single submitter. Criteria: Invitae Variant Classification Sherloc (09022015). Collection method: clinical testing. Allele origin: germline.
Comment: This sequence change replaces proline, which is neutral and non-polar, with alanine, which is neutral and non-polar, at codon 1692 of the POLE protein (p.Pro1692Ala). This variant is not present in population databases (gnomAD no frequency). This variant has not been reported in the literature in individuals affected with POLE-related conditions. Invitae Evidence Modeling of protein sequence and biophysical properties (such as structural, functional, and spatial information, amino acid conservation, physicochemical variation, residue mobility, and thermodynamic stability) indicates that this missense variant is not expected to disrupt POLE protein function with a negative predictive value of 80%. In summary, the available evidence is currently insufficient to determine the role of this variant in disease. Therefore, it has been classified as a Variant of Uncertain Significance.

NM_006231.4(POLE):c.5074C>G (p.Pro1692Ala)

Gene: POLE (DNA polymerase epsilon, catalytic subunit; minus strand). Cytogenetic location: 12q24.33.
Variant type: single nucleotide variant.
Coding change: c.5074C>G on transcript NM_006231.4 (MANE Select); coding-DNA position 5074, C replaced by G.
Protein change: p.Pro1692Ala; replaces proline 1692 with alanine.
Molecular consequence: missense variant.
Genome position (GRCh38, 1-based): chr12:132,642,276, G>C on the plus strand (C>G on the coding strand, the complement: POLE is on the minus strand). VCF-style: chr12-132642276-G-C. GRCh37 (hg19) VCF-style: chr12-133218862-G-C.
Other names: short protein forms P1692A.
Identifiers: ClinVar variation 4775174 (VCV004775174.1).